The following is an entry in ClinVar:

NM_002880.4(RAF1):c.1471A>C (p.Thr491Pro)

Gene: RAF1 (Raf-1 proto-oncogene, serine/threonine kinase; minus strand). Cytogenetic location: 3p25.2.
Variant type: single nucleotide variant.
Coding change: c.1471A>C on transcript NM_002880.4 (MANE Select); coding-DNA position 1471, A replaced by C.
Protein change: p.Thr491Pro; replaces threonine 491 with proline.
Molecular consequence: missense variant. On other transcripts: non-coding transcript variant (3).
Genome position (GRCh38, 1-based): chr3:12,585,746, T>G on the plus strand (A>C on the coding strand, the complement: RAF1 is on the minus strand). VCF-style: chr3-12585746-T-G. GRCh37 (hg19) VCF-style: chr3-12627245-T-G.
Other names: c.1531A>C, p.Thr511Pro (NM_001354689.3); c.1471A>C, p.Thr491Pro (NM_001354690.3); c.1228A>C, p.Thr410Pro (NM_001354691.3, NM_001354692.3); c.1372A>C, p.Thr458Pro (NM_001354693.3); c.1288A>C, p.Thr430Pro (NM_001354694.3); c.1129A>C, p.Thr377Pro (NM_001354695.3); short protein forms T377P, T410P, T430P, T458P, T491P, T511P.
Identifiers: ClinVar variation 1708317 (VCV001708317.3), dbSNP rs2125326133, ClinGen allele CA351499104.

ClinVar aggregate classification (germline): Uncertain significance (1 of 4 stars; one submission).

Submission:

Centre of Medical Genetics, University Hospital Muenster
Classification: Uncertain significance. Last evaluated: 2021-12-17. Review status: criteria provided, single submitter. Criteria: ACMG Guidelines, 2015. Collection method: clinical testing. Allele origin: unknown. Affected: yes. Observed: 1 variant allele, 1 heterozygote.
Comment: ACMG categories: PM1,PP3